The following is an entry in ClinVar:

NM_000107.3(DDB2):c.1228G>A (p.Ala410Thr)

Gene: DDB2 (damage specific DNA binding protein 2; plus strand). Cytogenetic location: 11p11.2.
Variant type: single nucleotide variant.
Coding change: c.1228G>A on transcript NM_000107.3 (MANE Select); coding-DNA position 1228, G replaced by A.
Protein change: p.Ala410Thr; replaces alanine 410 with threonine.
Molecular consequence: missense variant.
Genome position (GRCh38, 1-based): chr11:47,238,177, G>A. VCF-style: chr11-47238177-G-A. GRCh37 (hg19) VCF-style: chr11-47259728-G-A.
Other names: c.661G>A, p.Ala221Thr (NM_001300734.2); short protein forms A410T, A221T.
Identifiers: ClinVar variation 133961 (VCV000133961.47), dbSNP rs143049891, ClinGen allele CA158255.
Genomic context (GRCh38, chr11:47,238,177, plus strand): 5'-TTGACACTCTTGTCTCTGCAGCTTAATGAATTCAATCCCATGGGGGACACGCTGGCCTCT[G>A]CAATGGGTGAGTAGGAGGAGAATGTCTCTGACTTGCCAAGTCCGATCCTACTTCCCAAGG-3'
Protein context (NP_000098.1, residues 400-420): FNPMGDTLAS[Ala410Thr]MGYHILIWSQ

ClinVar aggregate classification (germline): Conflicting classifications of pathogenicity. Review status: criteria provided, conflicting classifications (1 of 4 stars). 10 submissions from 10 submitters: Uncertain significance (1); Likely benign (6). 3 of the submissions do not count toward it. Last evaluated 2026-07-01.

Conditions:
DDB2-related disorder. Also called: DDB2-related condition.
Xeroderma pigmentosum (XP). Identifiers: Orphanet 910, MedGen C0043346, MONDO:0019600.
Xeroderma pigmentosum, group E (XPE). Also called: Xeroderma pigmentosum, group E, DDB-negative subtype; Xeroderma pigmentosum, complementation group E, DDB-negative form; Xeroderma pigmentosum, complementation group E; XERODERMA PIGMENTOSUM V; XP, GROUP E; DDB2-Related Xeroderma Pigmentosum. Identifiers: Orphanet 910, MedGen C1848411, MONDO:0010213, OMIM 278740.

Allele frequency attached by ClinVar (database versions not stated): TOPMed 0.00264; gnomAD 0.00270 and 0.00254; ESP Exome Variant Server 0.00362; ExAC 0.00365; gnomAD exomes 0.00380 and 0.00255; 1000 Genomes Project 0.00100; 1000 Genomes Project 30x 0.00109.
gnomAD v4.1: 5,905 of 1,610,774 alleles (0.37%); highest among the groups gnomAD compares: Non-Finnish European, 0.45%; 19 homozygotes.

Submissions (10):

CeGaT Center for Human Genetics Tuebingen
Classification: Likely benign. Last evaluated: 2026-07-01. Review status: criteria provided, single submitter. Criteria: CeGaT Center For Human Genetics Tuebingen Variant Classification Criteria Version 2. Collection method: clinical testing. Allele origin: germline. Affected: yes. Observed: 16 variant alleles.
Comment: DDB2: BP4, BS2

Labcorp Genetics (formerly Invitae), Labcorp
Classification: Likely benign. Last evaluated: 2026-01-28. Review status: criteria provided, single submitter. Criteria: Invitae Variant Classification Sherloc (09022015). Collection method: clinical testing. Allele origin: germline.

Blueprint Genetics
Classification: Likely benign. Last evaluated: 2024-11-21. Review status: criteria provided, single submitter. Criteria: ACMG Guidelines, 2015. Collection method: clinical testing. Allele origin: germline.

Institute for Clinical Genetics, University Hospital TU Dresden, University Hospital TU Dresden
Classification: Uncertain significance. Last evaluated: 2021-11-03. Review status: criteria provided, single submitter. Criteria: ACMG Guidelines, 2015. Collection method: clinical testing. Allele origin: germline.

Sema4
Classification: Likely benign for Xeroderma pigmentosum. Last evaluated: 2021-03-12. Review status: criteria provided, single submitter. Criteria: Sema4 Curation Guidelines. Collection method: curation. Allele origin: germline.

GeneDx
Classification: Likely benign. Last evaluated: 2020-11-24. Review status: criteria provided, single submitter. Criteria: GeneDx Variant Classification Process June 2021. Collection method: clinical testing. Allele origin: germline. Affected: yes.
Comment: This variant is associated with the following publications: (PMID: 24728327)

Illumina Laboratory Services, Illumina
Classification: Likely benign for Xeroderma pigmentosum, group E. Last evaluated: 2018-01-13. Review status: criteria provided, single submitter. Criteria: ICSL Variant Classification Criteria 13 December 2019. Collection method: clinical testing. Allele origin: germline.
Comment: This variant was observed in the ICSL laboratory as part of a predisposition screen in an ostensibly healthy population. It had not been previously curated by ICSL or reported in the Human Gene Mutation Database (HGMD: prior to June 1st, 2018), and was therefore a candidate for classification through an automated scoring system. Utilizing variant allele frequency, disease prevalence and penetrance estimates, and inheritance mode, an automated score was calculated to assess if this variant is too frequent to cause the disease. Based on the score and internal cut-off values, a variant classified as likely benign is not then subjected to further curation. The score for this variant resulted in a classification of likely benign for this disease.

PreventionGenetics, part of Exact Sciences
Classification: Likely benign for DDB2-related condition. Last evaluated: 2023-02-16. Review status: no assertion criteria provided. Collection method: clinical testing. Allele origin: germline. Not counted in ClinVar's aggregate classification.
Comment: This variant is classified as likely benign based on ACMG/AMP sequence variant interpretation guidelines (Richards et al. 2015 PMID: 25741868, with internal and published modifications).

ITMI
No classification provided. Condition: AllHighlyPenetrant. Last evaluated: 2013-09-19. Review status: no classification provided. Collection method: reference population. Allele origin: germline. Not counted in ClinVar's aggregate classification.
Comment: Please see associated publication for description of ethnicities

Department of Pathology and Laboratory Medicine, Sinai Health System
Classification: Likely benign. Review status: no assertion criteria provided. Collection method: clinical testing. Allele origin: unknown. Affected: yes. Study: The Canadian Open Genetics Repository (COGR). Not counted in ClinVar's aggregate classification.
Comment: The DDB2 p.Ala410Thr variant was not identified in the literature nor was it identified in LOVD 3.0 or Cosmic. The variant was identified in dbSNP (ID: rs143049891) and ClinVar (classified as likely benign by Invitae). The variant was identified in control databases in 690 of 276356 chromosomes (2 homozygous) at a frequency of 0.002497 increasing the likelihood this could be a low frequency benign variant (Genome Aggregation Database March 6, 2019, v2.1.1). The variant was observed in the following populations: European (non-Finnish) in 526 of 126090 chromosomes (freq: 0.004172), European (Finnish) in 52 of 24444 chromosomes (freq: 0.002127), Other in 14 of 7086 chromosomes (freq: 0.001976), Latino in 66 of 34698 chromosomes (freq: 0.001902), African in 27 of 24524 chromosomes (freq: 0.001101) and South Asian in 5 of 29572 chromosomes (freq: 0.000169), but was not observed in the Ashkenazi Jewish, or East Asian populations. The p.Ala410 residue is not conserved in mammals and computational analyses (PolyPhen-2, SIFT, AlignGVGD, BLOSUM, MutationTaster) do not suggest a high likelihood of impact to the protein; however, this information is not predictive enough to rule out pathogenicity. The variant occurs outside of the splicing consensus sequence and in silico or computational prediction software programs (SpliceSiteFinder, MaxEntScan, NNSPLICE, GeneSplicer) do not predict a difference in splicing. In summary, based on the above information the clinical significance of this variant cannot be determined with certainty at this time although we would lean towards a more benign role for this variant. This variant is classified as likely benign.

Literature cited by the submitters: PubMed 24728327 (cited by ITMI).